The following is an entry in ClinVar:

ClinVar aggregate classification (germline): Uncertain significance (1 of 4 stars; one submission).

Conditions:
Early Myoclonic Encephalopathy. Identifiers: MedGen C0270855.

Allele frequency attached by ClinVar (database versions not stated): ESP Exome Variant Server 0.00008; TOPMed 0.00005; 1000 Genomes Project 0.00060; gnomAD 0.00004 and 0.00005; ExAC 0.00010; 1000 Genomes Project 30x 0.00047; gnomAD exomes 0.00002 and 0.00007.
gnomAD v4.1: 46 of 1,613,304 alleles (0.0029%); highest among the groups gnomAD compares: East Asian, 0.062%; no homozygotes.

Submission:

Labcorp Genetics (formerly Invitae), Labcorp
Classification: Uncertain significance for Early Myoclonic Encephalopathy. Last evaluated: 2024-10-17. Review status: criteria provided, single submitter. Criteria: Invitae Variant Classification Sherloc (09022015). Collection method: clinical testing. Allele origin: germline.
Comment: This sequence change replaces isoleucine, which is neutral and non-polar, with valine, which is neutral and non-polar, at codon 2458 of the JMJD1C protein (p.Ile2458Val). This variant is present in population databases (rs144459930, gnomAD 0.07%), and has an allele count higher than expected for a pathogenic variant. This variant has not been reported in the literature in individuals affected with JMJD1C-related conditions. ClinVar contains an entry for this variant (Variation ID: 655855). Invitae Evidence Modeling of protein sequence and biophysical properties (such as structural, functional, and spatial information, amino acid conservation, physicochemical variation, residue mobility, and thermodynamic stability) indicates that this missense variant is not expected to disrupt JMJD1C protein function with a negative predictive value of 80%. In summary, the available evidence is currently insufficient to determine the role of this variant in disease. Therefore, it has been classified as a Variant of Uncertain Significance.

NM_032776.3(JMJD1C):c.7372A>G (p.Ile2458Val)

Gene: JMJD1C (jumonji domain containing 1C; minus strand). Cytogenetic location: 10q21.3.
Variant type: single nucleotide variant.
Coding change: c.7372A>G on transcript NM_032776.3 (MANE Select); coding-DNA position 7372, A replaced by G.
Protein change: p.Ile2458Val; replaces isoleucine 2458 with valine.
Molecular consequence: missense variant. On other transcripts: non-coding transcript variant (1).
Genome position (GRCh38, 1-based): chr10:63,176,326, T>C on the plus strand (A>G on the coding strand, the complement: JMJD1C is on the minus strand). VCF-style: chr10-63176326-T-C. GRCh37 (hg19) VCF-style: chr10-64936086-T-C.
Other names: c.6826A>G, p.Ile2276Val (NM_001282948.2, NM_001318154.2); c.6508A>G, p.Ile2170Val (NM_001318153.2); c.7258A>G, p.Ile2420Val (NM_001322252.2); c.6715A>G, p.Ile2239Val (NM_001322254.2, NM_001322258.2); short protein forms I2420V, I2239V, I2170V, I2276V, I2458V.
Identifiers: ClinVar variation 655855 (VCV000655855.10), dbSNP rs144459930, ClinGen allele CA5517668.